The following is an entry in ClinVar:

ClinVar aggregate classification (germline): Uncertain significance (1 of 4 stars; one submission).

gnomAD v4.1: 1 of 1,210,979 alleles (0.000083%); highest among the groups gnomAD compares: Non-Finnish European, 0.00011%; no homozygotes.

Submission:

GeneDx
Classification: Uncertain significance. Last evaluated: 2023-11-29. Review status: criteria provided, single submitter. Criteria: GeneDx Variant Classification Process June 2021. Collection method: clinical testing. Allele origin: germline. Affected: yes.
Comment: Not observed at significant frequency in large population cohorts (gnomAD); In silico analysis supports that this missense variant does not alter protein structure/function; Has not been previously published as pathogenic or benign to our knowledge

NM_181303.2(NLGN3):c.1487G>A (p.Arg496His)

Gene: NLGN3 (neuroligin 3; plus strand). Cytogenetic location: Xq13.1.
Variant type: single nucleotide variant.
Coding change: c.1487G>A on transcript NM_181303.2 (MANE Select); coding-DNA position 1487, G replaced by A.
Protein change: p.Arg496His; replaces arginine 496 with histidine.
Molecular consequence: missense variant.
Genome position (GRCh38, 1-based): chrX:71,167,584, G>A. VCF-style: chrX-71167584-G-A. GRCh37 (hg19) VCF-style: chrX-70387434-G-A.
Other names: c.1367G>A, p.Arg456His (NM_001166660.2); c.1076G>A, p.Arg359His (NM_001321276.2); c.1427G>A, p.Arg476His (NM_018977.4); short protein forms R359H, R456H, R476H, R496H.
Identifiers: ClinVar variation 3364747 (VCV003364747.1).